The following is an entry in ClinVar:

ClinVar aggregate classification (germline): Uncertain significance (1 of 4 stars; one submission).

Conditions:
Congenital disorder of glycosylation type Ir (CDG1R). Also called: DDOST-congenital disorder of glycosylation. Identifiers: Orphanet 300536, MedGen C3281084, MONDO:0013789, OMIM 614507.

Allele frequency attached by ClinVar (database versions not stated): TOPMed below 0.00001; gnomAD exomes 0.00001 and 0.00002; ExAC 0.00003; ESP Exome Variant Server 0.00008.
gnomAD v4.1: 8 of 1,614,092 alleles (0.0005%); highest among the groups gnomAD compares: African/African-American, 0.0027%; no homozygotes.

Submission:

Labcorp Genetics (formerly Invitae), Labcorp
Classification: Uncertain significance for Congenital disorder of glycosylation type Ir. Last evaluated: 2021-11-01. Review status: criteria provided, single submitter. Criteria: Invitae Variant Classification Sherloc (09022015). Collection method: clinical testing. Allele origin: germline.
Comment: Algorithms developed to predict the effect of missense changes on protein structure and function (SIFT, PolyPhen-2, Align-GVGD) all suggest that this variant is likely to be tolerated. This sequence change replaces leucine, which is neutral and non-polar, with phenylalanine, which is neutral and non-polar, at codon 54 of the DDOST protein (p.Leu54Phe). This variant is present in population databases (rs150936849, gnomAD 0.01%). This variant has not been reported in the literature in individuals affected with DDOST-related conditions. In summary, the available evidence is currently insufficient to determine the role of this variant in disease. Therefore, it has been classified as a Variant of Uncertain Significance.

NM_005216.5(DDOST):c.109C>T (p.Leu37Phe)

Gene: DDOST (dolichyl-diphosphooligosaccharide--protein glycosyltransferase non-catalytic subunit; minus strand). Cytogenetic location: 1p36.12.
Variant type: single nucleotide variant.
Coding change: c.109C>T on transcript NM_005216.5 (MANE Select); coding-DNA position 109, C replaced by T.
Protein change: p.Leu37Phe; replaces leucine 37 with phenylalanine.
Molecular consequence: missense variant.
Genome position (GRCh38, 1-based): chr1:20,661,242, G>A on the plus strand (C>T on the coding strand, the complement: DDOST is on the minus strand). VCF-style: chr1-20661242-G-A. GRCh37 (hg19) VCF-style: chr1-20987735-G-A.
Other names: short protein forms L37F.
Identifiers: ClinVar variation 1421823 (VCV001421823.6), dbSNP rs150936849, ClinGen allele CA661365.